The following is an entry in ClinVar:

ClinVar aggregate classification (germline): Uncertain significance (1 of 4 stars; one submission).

Allele frequency attached by ClinVar (database versions not stated): ExAC 0.00002; gnomAD 0.00002; gnomAD exomes 0.00003.
gnomAD v4.1: 21 of 1,613,980 alleles (0.0013%); highest among the groups gnomAD compares: Non-Finnish European, 0.00059%; no homozygotes.

Submission:

CeGaT Center for Human Genetics Tuebingen
Classification: Uncertain significance. Last evaluated: 2022-10-01. Review status: criteria provided, single submitter. Criteria: CeGaT Center For Human Genetics Tuebingen Variant Classification Criteria Version 2. Collection method: clinical testing. Allele origin: germline. Affected: yes. Observed: 1 variant allele.
Comment: WIPF1: PM2

NM_001375834.1(WIPF1):c.484C>T (p.Pro162Ser)

Gene: WIPF1 (WAS/WASL interacting protein family member 1; minus strand). Cytogenetic location: 2q31.1.
Variant type: single nucleotide variant.
Coding change: c.484C>T on transcript NM_001375834.1 (MANE Select); coding-DNA position 484, C replaced by T.
Protein change: p.Pro162Ser; replaces proline 162 with serine.
Molecular consequence: missense variant. On other transcripts: intron variant (1).
Genome position (GRCh38, 1-based): chr2:174,572,321, G>A on the plus strand (C>T on the coding strand, the complement: WIPF1 is on the minus strand). VCF-style: chr2-174572321-G-A. GRCh37 (hg19) VCF-style: chr2-175437049-G-A.
Other names: c.484C>T, p.Pro162Ser (NM_001077269.1, NM_001375832.1, NM_001375833.1 and 5 more transcripts); c.182-76C>T (NM_001375839.1); short protein forms P162S.
Identifiers: ClinVar variation 2651549 (VCV002651549.24), dbSNP rs781036090, ClinGen allele CA1974118.